The following is an entry in ClinVar:

ClinVar aggregate classification (germline): Pathogenic (1 of 4 stars; one submission).

Conditions:
Retinitis pigmentosa 59 (RP59). Identifiers: Orphanet 791, MedGen C3151227, MONDO:0013468, OMIM 613861.

Submission:

Labcorp Genetics (formerly Invitae), Labcorp
Classification: Pathogenic for Retinitis pigmentosa 59. Last evaluated: 2025-09-07. Review status: criteria provided, single submitter. Criteria: Invitae Variant Classification Sherloc (09022015). Collection method: clinical testing. Allele origin: germline.
Comment: This sequence change creates a premature translational stop signal (p.Val173Trpfs*31) in the DHDDS gene. It is expected to result in an absent or disrupted protein product. Loss-of-function variants in DHDDS are known to be pathogenic (PMID: 24664742). This variant is not present in population databases (gnomAD no frequency). This variant has not been reported in the literature in individuals affected with DHDDS-related conditions. Algorithms developed to predict the effect of sequence changes on RNA splicing suggest that this variant may disrupt the consensus splice site. For these reasons, this variant has been classified as Pathogenic.

Literature cited by the submitters: PubMed 24664742.

NM_205861.3(DHDDS):c.517del (p.Val173fs)

Gene: DHDDS (dehydrodolichyl diphosphate synthase subunit; plus strand). Cytogenetic location: 1p36.11.
Variant type: Deletion.
Coding change: c.517del on transcript NM_205861.3 (MANE Select); coding-DNA position 517, one base deleted (G; older notation c.517delG).
Protein change: p.Val173fs; shifts the reading frame from valine 173.
Molecular consequence: frameshift variant. On other transcripts: intron variant (1).
Genome position (GRCh38, 1-based): chr1:26,447,635, G deleted; the last of 6 consecutive G bases (chr1:26,447,630-26,447,635); deleting any one gives the same sequence. VCF-style (leftmost placement, unchanged base first): chr1-26447629-TG-T. GRCh37 (hg19) VCF-style: chr1-26774120-TG-T.
Other names: c.400del, p.Val134fs (NM_001243565.2); c.238del, p.Val80fs (NM_001319959.2); c.517del, p.Val173fs (NM_024887.4); c.440+1203del (NM_001243564.2); short protein forms V134fs, V173fs, V80fs.
Identifiers: ClinVar variation 4803762 (VCV004803762.1).